The following is an entry in ClinVar:

ClinVar aggregate classification (germline): Pathogenic (1 of 4 stars; one submission).

Conditions:
Neonatal-onset encephalopathy with rigidity and seizures. Also called: Lethal neonatal spasticity-epileptic encephalopathy syndrome. Identifiers: Orphanet 435845, MedGen C3281029, MONDO:0013784, OMIM 614498.

Submission:

Labcorp Genetics (formerly Invitae), Labcorp
Classification: Pathogenic for Neonatal-onset encephalopathy with rigidity and seizures. Last evaluated: 2024-07-08. Review status: criteria provided, single submitter. Criteria: Invitae Variant Classification Sherloc (09022015). Collection method: clinical testing. Allele origin: germline.
Comment: This sequence change creates a premature translational stop signal (p.Pro10Serfs*6) in the BRAT1 gene. It is expected to result in an absent or disrupted protein product. Loss-of-function variants in BRAT1 are known to be pathogenic (PMID: 22279524, 25500575). This variant is not present in population databases (gnomAD no frequency). This variant has not been reported in the literature in individuals affected with BRAT1-related conditions. For these reasons, this variant has been classified as Pathogenic.

Literature cited by the submitters: PubMed 22279524; PubMed 25500575.

NM_152743.4(BRAT1):c.28_34del (p.Pro10fs)

Gene: BRAT1 (BRCA1 associated ATM activator 1; minus strand). Cytogenetic location: 7p22.3.
Variant type: Deletion.
Coding change: c.28_34del on transcript NM_152743.4 (MANE Select); coding-DNA positions 28 to 34, 7 bases deleted (CCGGCTC; older notation c.28_34delCCGGCTC).
Protein change: p.Pro10fs; shifts the reading frame from proline 10.
Molecular consequence: frameshift variant. On other transcripts: 5 prime UTR variant (1), non-coding transcript variant (1).
Genome position (GRCh38, 1-based): chr7:2,554,398-2,554,404, GAGCCGG deleted on the plus strand (CCGGCTC on the coding strand, the reverse complement: BRAT1 is on the minus strand); deleting any 7 consecutive bases within chr7:2,554,398-2,554,408 gives the same sequence; the c. name uses the placement nearest the transcript's 3' end. VCF-style (leftmost placement, unchanged base first): chr7-2554397-AGAGCCGG-A. GRCh37 (hg19) VCF-style: chr7-2594031-AGAGCCGG-A.
Other names: c.28_34del, p.Pro10fs (NM_001350626.2); c.-350_-344del (NM_001350627.2); short protein forms P10fs.
Identifiers: ClinVar variation 3655829 (VCV003655829.2).